The following is an entry in ClinVar:

ClinVar aggregate classification (germline): Uncertain significance (1 of 4 stars; one submission).

Conditions:
Alstrom syndrome (ALMS). Identifiers: Orphanet 64, MedGen C0268425, MONDO:0008763, OMIM 203800.

Submission:

Labcorp Genetics (formerly Invitae), Labcorp
Classification: Uncertain significance for Alstrom syndrome. Last evaluated: 2021-06-13. Review status: criteria provided, single submitter. Criteria: Invitae Variant Classification Sherloc (09022015). Collection method: clinical testing. Allele origin: germline.
Comment: In summary, the available evidence is currently insufficient to determine the role of this variant in disease. Therefore, it has been classified as a Variant of Uncertain Significance. Experimental studies and prediction algorithms are not available or were not evaluated, and the functional significance of this variant is currently unknown. This variant has not been reported in the literature in individuals with ALMS1-related conditions. This variant is not present in population databases (ExAC no frequency). This sequence change replaces leucine with serine at codon 4073 of the ALMS1 protein (p.Leu4073Ser). The leucine residue is moderately conserved and there is a large physicochemical difference between leucine and serine.

NM_001378454.1(ALMS1):c.12215T>C (p.Leu4072Ser)

Genes: ALMS1 (ALMS1 centrosome and basal body associated protein; plus strand), LOC126806252 (BRD4-independent group 4 enhancer GRCh37_chr2:73828496-73829695; plus strand). Cytogenetic location: 2p13.1.
Variant type: single nucleotide variant.
Coding change: c.12215T>C on transcript NM_001378454.1 (MANE Select); coding-DNA position 12215, T replaced by C.
Protein change: p.Leu4072Ser; replaces leucine 4072 with serine.
Molecular consequence: missense variant.
Genome position (GRCh38, 1-based): chr2:73,602,285, T>C. VCF-style: chr2-73602285-T-C. GRCh37 (hg19) VCF-style: chr2-73829412-T-C.
Other names: c.12218T>C, p.Leu4073Ser (NM_015120.4); short protein forms L4072S, L4073S.
Identifiers: ClinVar variation 1433003 (VCV001433003.6), dbSNP rs2104199857, ClinGen allele CA347268184.